The following is an entry in ClinVar:

NM_000264.5(PTCH1):c.1031del (p.Gly344fs)

Gene: PTCH1 (patched 1; minus strand). Cytogenetic location: 9q22.32.
Variant type: Deletion.
Coding change: c.1031del on transcript NM_000264.5 (MANE Select); coding-DNA position 1031, one base deleted (G; older notation c.1031delG).
Protein change: p.Gly344fs; shifts the reading frame from glycine 344.
Molecular consequence: frameshift variant. On other transcripts: non-coding transcript variant (1).
Genome position (GRCh38, 1-based): chr9:95,480,005, C deleted on the plus strand (G on the coding strand, the reverse complement: PTCH1 is on the minus strand); the first of 3 consecutive C bases (chr9:95,480,005-95,480,007); deleting any one gives the same sequence. VCF-style (leftmost placement, unchanged base first): chr9-95480004-AC-A. GRCh37 (hg19) VCF-style: chr9-98242286-AC-A.
Other names: c.578del, p.Gly193fs (NM_001083605.3, NM_001083606.3, NM_001083607.3 and 1 more transcripts); c.1031del, p.Gly344fs (NM_001354918.2); c.833del, p.Gly278fs (NM_001083602.3); c.1028del, p.Gly343fs (NM_001083603.3); short protein forms G193fs, G278fs, G343fs, G344fs.
Identifiers: ClinVar variation 1695256 (VCV001695256.31), dbSNP rs2118389988, ClinGen allele CA2580080871.

ClinVar aggregate classification (germline): Pathogenic (1 of 4 stars; one submission).

Submission:

CeGaT Center for Human Genetics Tuebingen
Classification: Pathogenic. Last evaluated: 2022-06-01. Review status: criteria provided, single submitter. Criteria: CeGaT Center For Human Genetics Tuebingen Variant Classification Criteria Version 2. Collection method: clinical testing. Allele origin: germline. Affected: yes. Observed: 1 variant allele.
Comment: PTCH1: PVS1, PM2